The following is an entry in ClinVar:

NM_001142800.2(EYS):c.2133del (p.Phe711fs)

Gene: EYS (EGF-like photoreceptor maintenance factor; minus strand). Cytogenetic location: 6q12.
Variant type: Deletion.
Coding change: c.2133del on transcript NM_001142800.2 (MANE Select); coding-DNA position 2133, one base deleted (T; older notation c.2133delT).
Protein change: p.Phe711fs; shifts the reading frame from phenylalanine 711.
Molecular consequence: frameshift variant.
Genome position (GRCh38, 1-based): chr6:65,057,618, A deleted on the plus strand (T on the coding strand, the reverse complement: EYS is on the minus strand); the first of 3 consecutive A bases (chr6:65,057,618-65,057,620); deleting any one gives the same sequence. VCF-style (leftmost placement, unchanged base first): chr6-65057617-TA-T. GRCh37 (hg19) VCF-style: chr6-65767510-TA-T.
Other names: c.2133del, p.Phe711fs (NM_001292009.2); short protein forms F711fs.
Identifiers: ClinVar variation 2030426 (VCV002030426.4), dbSNP rs2533709259, ClinGen allele CA2580075659.

ClinVar aggregate classification (germline): Pathogenic (1 of 4 stars; one submission).

Submission:

Labcorp Genetics (formerly Invitae), Labcorp
Classification: Pathogenic. Last evaluated: 2022-09-14. Review status: criteria provided, single submitter. Criteria: Invitae Variant Classification Sherloc (09022015). Collection method: clinical testing. Allele origin: germline.
Comment: This variant is not present in population databases (gnomAD no frequency). For these reasons, this variant has been classified as Pathogenic. Algorithms developed to predict the effect of sequence changes on RNA splicing suggest that this variant may create or strengthen a splice site. This variant has not been reported in the literature in individuals affected with EYS-related conditions. This sequence change creates a premature translational stop signal (p.Phe711Leufs*18) in the EYS gene. It is expected to result in an absent or disrupted protein product. Loss-of-function variants in EYS are known to be pathogenic (PMID: 18836446, 20333770).

Literature cited by the submitters: PubMed 18836446; PubMed 20333770.